The following is an entry in ClinVar:

ClinVar aggregate classification (germline): Uncertain significance (1 of 4 stars; one submission).

Submission:

GeneDx
Classification: Uncertain significance. Last evaluated: 2022-06-10. Review status: criteria provided, single submitter. Criteria: GeneDx Variant Classification Process June 2021. Collection method: clinical testing. Allele origin: germline. Affected: yes.
Comment: Not observed at significant frequency in large population cohorts (gnomAD); In silico analysis supports that this missense variant does not alter protein structure/function; Has not been previously published as pathogenic or benign to our knowledge

NM_001020658.2(PUM1):c.1759G>A (p.Val587Ile)

Gene: PUM1 (pumilio RNA binding family member 1; minus strand). Cytogenetic location: 1p35.2.
Variant type: single nucleotide variant.
Coding change: c.1759G>A on transcript NM_001020658.2 (MANE Select); coding-DNA position 1759, G replaced by A.
Protein change: p.Val587Ile; replaces valine 587 with isoleucine.
Molecular consequence: missense variant.
Genome position (GRCh38, 1-based): chr1:30,967,197, C>T on the plus strand (G>A on the coding strand, the complement: PUM1 is on the minus strand). VCF-style: chr1-30967197-C-T. GRCh37 (hg19) VCF-style: chr1-31440044-C-T.
Other names: c.1759G>A, p.Val587Ile (NM_014676.3); short protein forms V587I.
Identifiers: ClinVar variation 1803448 (VCV001803448.1), dbSNP rs2124441876, ClinGen allele CA339566667.